The following is an entry in ClinVar:

NM_001267550.2(TTN):c.102674T>C (p.Phe34225Ser)

Genes: TTN-AS1 (TTN antisense RNA 1; plus strand), TTN (titin; minus strand). Cytogenetic location: 2q31.2.
Variant type: single nucleotide variant.
Coding change: c.102674T>C on transcript NM_001267550.2 (MANE Select); coding-DNA position 102674, T replaced by C.
Protein change: p.Phe34225Ser; replaces phenylalanine 34225 with serine.
Molecular consequence: missense variant.
Genome position (GRCh38, 1-based): chr2:178,533,941, A>G on the plus strand (T>C on the coding strand, the complement: TTN is on the minus strand). VCF-style: chr2-178533941-A-G. GRCh37 (hg19) VCF-style: chr2-179398668-A-G.
Other names: c.97751T>C, p.Phe32584Ser (NM_001256850.1); c.75479T>C, p.Phe25160Ser (NM_003319.4); c.94970T>C, p.Phe31657Ser (NM_133378.4); c.75854T>C, p.Phe25285Ser (NM_133432.3); c.76055T>C, p.Phe25352Ser (NM_133437.4); short protein forms F32584S, F25352S, F25160S, F31657S, F34225S, F25285S.
Identifiers: ClinVar variation 1972585 (VCV001972585.5), dbSNP rs1260262052, ClinGen allele CA349417009.
Genomic context (GRCh38, chr2:178,533,941, plus strand): 5'-TTAATTTTCTTCATGGTTCTACGGCAGTAATAGTCATAGACTTCTCTCACACCTTTAACA[A>G]ATAGCTCTGCATAAGAACTGTCTTCACCATAGTCATTGACTACTTTGCATCTGTAGGTAC-3'
Protein context (NP_001254479.2, residues 34215-34235): YGEDSSYAEL[Phe34225Ser]VKGVREVYDY

ClinVar aggregate classification (germline): Uncertain significance (1 of 4 stars; one submission).

Conditions:
Dilated cardiomyopathy 1G (CMD1G). Identifiers: Orphanet 154, MedGen C1858763, MONDO:0011400, OMIM 604145.
Autosomal recessive limb-girdle muscular dystrophy type 2J (LGMDR10). Also called: Limb-girdle muscular dystrophy, type 2J; MUSCULAR DYSTROPHY, LIMB-GIRDLE, AUTOSOMAL RECESSIVE 10. Identifiers: Orphanet 140922, MedGen C1837342, MONDO:0012127, OMIM 608807.

Allele frequency attached by ClinVar (database versions not stated): TOPMed 0.00001.

Submission:

Labcorp Genetics (formerly Invitae), Labcorp
Classification: Uncertain significance for Dilated cardiomyopathy 1G; Autosomal recessive limb-girdle muscular dystrophy type 2J. Last evaluated: 2024-01-19. Review status: criteria provided, single submitter. Criteria: Invitae Variant Classification Sherloc (09022015). Collection method: clinical testing. Allele origin: germline.
Comment: This sequence change replaces phenylalanine, which is neutral and non-polar, with serine, which is neutral and polar, at codon 34225 of the TTN protein (p.Phe34225Ser). This variant is not present in population databases (gnomAD no frequency). This variant has not been reported in the literature in individuals affected with TTN-related conditions. ClinVar contains an entry for this variant (Variation ID: 1972585). Experimental studies and prediction algorithms are not available or were not evaluated, and the functional significance of this variant is currently unknown. This variant is located in the M band of TTN (PMID: 25589632). Non-truncating variants in this region may be relevant for neuromuscular disorders, but have not been definitively shown to cause cardiomyopathy (PMID: 23975875). In summary, the available evidence is currently insufficient to determine the role of this variant in disease. Therefore, it has been classified as a Variant of Uncertain Significance.

Literature cited by the submitters: PubMed 25589632; PubMed 23975875.